The following is an entry in ClinVar:

ClinVar aggregate classification (germline): Benign/Likely benign. Review status: criteria provided, multiple submitters, no conflicts (2 of 4 stars). 5 submissions from 5 submitters: Benign (2); Likely benign (2). 1 of the submissions does not count toward it. Last evaluated 2026-02-04.

Conditions:
EGFR-related disorder. Also called: EGFR-related condition.
Lung cancer. Also called: Malignant tumor of lung; Lung cancer, somatic. Identifiers: MedGen C0242379, MONDO:0008903, OMIM 211980.
Hereditary cancer-predisposing syndrome. Also called: Tumor predisposition; Hereditary neoplastic syndrome; Hereditary Cancer Syndrome; Neoplastic Syndromes, Hereditary. Identifiers: Orphanet 140162, MedGen C0027672, MeSH D009386, MONDO:0015356.
EGFR-related lung cancer (EGFR). Identifiers: MedGen CN130014.

Allele frequency attached by ClinVar (database versions not stated): ESP Exome Variant Server 0.00008; gnomAD 0.00014 and 0.00020; TOPMed 0.00019; 1000 Genomes Project 30x 0.00094; 1000 Genomes Project 0.00120.
gnomAD v4.1: 187 of 1,614,216 alleles (0.012%); highest among the groups gnomAD compares: East Asian, 0.25%; no homozygotes.

Submissions (5):

Labcorp Genetics (formerly Invitae), Labcorp
Classification: Benign for EGFR-related lung cancer. Last evaluated: 2026-02-04. Review status: criteria provided, single submitter. Criteria: Invitae Variant Classification Sherloc (09022015). Collection method: clinical testing. Allele origin: germline.

Myriad Genetics, Inc.
Classification: Benign for Lung cancer. Last evaluated: 2024-10-16. Review status: criteria provided, single submitter. Criteria: Myriad Autosomal Dominant, Autosomal Recessive and X-Linked Classification Criteria (2023). Collection method: clinical testing. Allele origin: unknown.
Comment: This variant is considered benign. This variant is a silent/synonymous amino acid change and it is not expected to impact splicing.

Ambry Genetics
Classification: Likely benign for Hereditary cancer-predisposing syndrome. Last evaluated: 2024-08-21. Review status: criteria provided, single submitter. Criteria: Ambry Variant Classification Scheme 2023. Collection method: clinical testing. Allele origin: germline.

Blueprint Genetics
Classification: Likely benign. Last evaluated: 2024-03-12. Review status: criteria provided, single submitter. Criteria: ACMG Guidelines, 2015. Collection method: clinical testing. Allele origin: germline.

PreventionGenetics, part of Exact Sciences
Classification: Likely benign for EGFR-related condition. Last evaluated: 2024-01-05. Review status: no assertion criteria provided. Collection method: clinical testing. Allele origin: germline. Not counted in ClinVar's aggregate classification.
Comment: This variant is classified as likely benign based on ACMG/AMP sequence variant interpretation guidelines (Richards et al. 2015 PMID: 25741868, with internal and published modifications).

NM_005228.5(EGFR):c.2175G>A (p.Thr725=)

Gene: EGFR (epidermal growth factor receptor; plus strand). Cytogenetic location: 7p11.2.
Variant type: single nucleotide variant.
Coding change: c.2175G>A on transcript NM_005228.5 (MANE Select); coding-DNA position 2175, G replaced by A.
Protein change: p.Thr725=; no amino-acid change (threonine 725 retained).
Molecular consequence: synonymous variant.
Genome position (GRCh38, 1-based): chr7:55,174,034, G>A. VCF-style: chr7-55174034-G-A. GRCh37 (hg19) VCF-style: chr7-55241727-G-A.
Other names: c.2175G>A (NM_005228.3, NM_005228.4); c.2040G>A, p.Thr680= (NM_001346897.2, NM_001346899.2); c.2175G>A, p.Thr725= (NM_001346898.2); c.2016G>A, p.Thr672= (NM_001346900.2); c.1374G>A, p.Thr458= (NM_001346941.2).
Identifiers: ClinVar variation 1169812 (VCV001169812.14), dbSNP rs55959834, ClinGen allele CA4265988.
Genomic context (GRCh38, chr7:55,174,034, plus strand): 5'-GATCTTGAAGGAAACTGAATTCAAAAAGATCAAAGTGCTGGGCTCCGGTGCGTTCGGCAC[G>A]GTGTATAAGGTAAGGTCCCTGGCACAGGCCTCTGGGCTGGGCCGCAGGGCCTCTCATGGT-3'
Protein context (NP_005219.2, residues 715-735): IKVLGSGAFG[Thr725=]VYKGLWIPEG